The following is an entry in ClinVar:

ClinVar aggregate classification (germline): Uncertain significance. Review status: criteria provided, multiple submitters, no conflicts (2 of 4 stars). 2 submissions from 2 submitters: Uncertain significance (2). Last evaluated 2022-12-02.

Submissions (2):

Blueprint Genetics
Classification: Uncertain significance. Last evaluated: 2022-12-02. Review status: criteria provided, single submitter. Criteria: ACMG Guidelines, 2015. Collection method: clinical testing. Allele origin: germline.

Labcorp Genetics (formerly Invitae), Labcorp
Classification: Uncertain significance. Last evaluated: 2020-10-27. Review status: criteria provided, single submitter. Criteria: Invitae Variant Classification Sherloc (09022015). Collection method: clinical testing. Allele origin: germline.
Comment: This sequence change replaces leucine with proline at codon 143 of the GPR143 protein (p.Leu143Pro). The leucine residue is highly conserved and there is a moderate physicochemical difference between leucine and proline. This variant is not present in population databases (ExAC no frequency). This variant has not been reported in the literature in individuals with GPR143-related conditions. Algorithms developed to predict the effect of missense changes on protein structure and function (SIFT, PolyPhen-2, Align-GVGD) all suggest that this variant is likely to be disruptive, but these predictions have not been confirmed by published functional studies and their clinical significance is uncertain. In summary, the available evidence is currently insufficient to determine the role of this variant in disease. Therefore, it has been classified as a Variant of Uncertain Significance.

NM_000273.3(GPR143):c.428T>C (p.Leu143Pro)

Gene: GPR143 (G protein-coupled receptor 143; minus strand). Cytogenetic location: Xp22.2.
Variant type: single nucleotide variant.
Coding change: c.428T>C on transcript NM_000273.3 (MANE Select); coding-DNA position 428, T replaced by C.
Protein change: p.Leu143Pro; replaces leucine 143 with proline.
Molecular consequence: missense variant.
Genome position (GRCh38, 1-based): chrX:9,759,359, A>G on the plus strand (T>C on the coding strand, the complement: GPR143 is on the minus strand). VCF-style: chrX-9759359-A-G. GRCh37 (hg19) VCF-style: chrX-9727399-A-G.
Other names: short protein forms L143P.
Identifiers: ClinVar variation 1034818 (VCV001034818.9), dbSNP rs2083486162, ClinGen allele CA411998854.